The following is an entry in ClinVar:

NM_000245.4(MET):c.2404A>G (p.Thr802Ala)

Gene: MET (MET proto-oncogene, receptor tyrosine kinase; plus strand). Cytogenetic location: 7q31.2.
Variant type: single nucleotide variant.
Coding change: c.2404A>G on transcript NM_000245.4 (MANE Select); coding-DNA position 2404, A replaced by G.
Protein change: p.Thr802Ala; replaces threonine 802 with alanine.
Molecular consequence: missense variant.
Genome position (GRCh38, 1-based): chr7:116,763,089, A>G. VCF-style: chr7-116763089-A-G. GRCh37 (hg19) VCF-style: chr7-116403143-A-G.
Other names: c.2458A>G, p.Thr820Ala (NM_001127500.3); c.2404A>G, p.Thr802Ala (NM_001324401.3); c.1114A>G, p.Thr372Ala (NM_001324402.2); short protein forms T372A, T802A, T820A.
Identifiers: ClinVar variation 2870735 (VCV002870735.4), dbSNP rs2485740700, ClinGen allele CA368983028.

ClinVar aggregate classification (germline): Uncertain significance. Review status: criteria provided, multiple submitters, no conflicts (2 of 4 stars). 2 submissions from 2 submitters: Uncertain significance (2). Last evaluated 2025-08-25.

Conditions:
Renal cell carcinoma. Identifiers: Orphanet 217071, MedGen C0007134, MeSH D002292, MONDO:0005086, HP:0005584.
Hereditary cancer-predisposing syndrome. Also called: Neoplastic Syndromes, Hereditary; Hereditary Cancer Syndrome; Hereditary neoplastic syndrome; Tumor predisposition. Identifiers: Orphanet 140162, MedGen C0027672, MeSH D009386, MONDO:0015356.

Submissions (2):

Ambry Genetics
Classification: Uncertain significance for Hereditary cancer-predisposing syndrome. Last evaluated: 2025-08-25. Review status: criteria provided, single submitter. Criteria: Ambry Variant Classification Scheme 2023. Collection method: clinical testing. Allele origin: germline.
Comment: The p.T820A variant (also known as c.2458A>G), located in coding exon 10 of the MET gene, results from an A to G substitution at nucleotide position 2458. The threonine at codon 820 is replaced by alanine, an amino acid with similar properties. This amino acid position is conserved. In addition, this alteration is predicted to be tolerated by in silico analysis. Based on the available evidence, the clinical significance of this variant remains unclear.

Labcorp Genetics (formerly Invitae), Labcorp
Classification: Uncertain significance for Renal cell carcinoma. Last evaluated: 2025-07-15. Review status: criteria provided, single submitter. Criteria: Invitae Variant Classification Sherloc (09022015). Collection method: clinical testing. Allele origin: germline.
Comment: This sequence change replaces threonine, which is neutral and polar, with alanine, which is neutral and non-polar, at codon 820 of the MET protein (p.Thr820Ala). This variant is not present in population databases (gnomAD no frequency). This variant has not been reported in the literature in individuals affected with MET-related conditions. ClinVar contains an entry for this variant (Variation ID: 2870735). An algorithm developed to predict the effect of missense changes on protein structure and function (PolyPhen-2) suggests that this variant is likely to be tolerated. In summary, the available evidence is currently insufficient to determine the role of this variant in disease. Therefore, it has been classified as a Variant of Uncertain Significance.